The following is an entry in ClinVar:

NM_000891.3(KCNJ2):c.532G>A (p.Ala178Thr)

Gene: KCNJ2 (potassium inwardly rectifying channel subfamily J member 2; plus strand). Cytogenetic location: 17q24.3.
Variant type: single nucleotide variant.
Coding change: c.532G>A on transcript NM_000891.3 (MANE Select); coding-DNA position 532, G replaced by A.
Protein change: p.Ala178Thr; replaces alanine 178 with threonine.
Molecular consequence: missense variant.
Genome position (GRCh38, 1-based): chr17:70,175,571, G>A. VCF-style: chr17-70175571-G-A. GRCh37 (hg19) VCF-style: chr17-68171712-G-A.
Other names: short protein forms A178T.
Identifiers: ClinVar variation 952628 (VCV000952628.11), dbSNP rs771965504, ClinGen allele CA400860881.

ClinVar aggregate classification (germline): Uncertain significance. Review status: criteria provided, multiple submitters, no conflicts (2 of 4 stars). 2 submissions from 2 submitters: Uncertain significance (2). Last evaluated 2025-05-08.

Conditions:
Cardiovascular phenotype. Identifiers: MedGen CN230736.
Andersen Tawil syndrome (LQT7). Also called: LONG QT SYNDROME 7; ANDERSEN CARDIODYSRHYTHMIC PERIODIC PARALYSIS; PERIODIC PARALYSIS, POTASSIUM-SENSITIVE CARDIODYSRHYTHMIC TYPE; Potassium-sensitive periodic paralysis, ventricular ectopy, and dysmorphic features; Andersen Syndrome. Identifiers: Orphanet 37553, MedGen C1563715, MONDO:0008222, OMIM 170390.
Short QT syndrome type 3. Identifiers: Orphanet 51083, MedGen C1865018, MONDO:0012314, OMIM 609622.

Allele frequency attached by ClinVar (database versions not stated): TOPMed below 0.00001; gnomAD 0.00001.
gnomAD v4.1: 11 of 1,614,010 alleles (0.00068%); highest among the groups gnomAD compares: African/African-American, 0.004%; no homozygotes.

Submissions (2):

Ambry Genetics
Classification: Uncertain significance for Cardiovascular phenotype. Last evaluated: 2025-05-08. Review status: criteria provided, single submitter. Criteria: Ambry Variant Classification Scheme 2023. Collection method: clinical testing. Allele origin: germline.
Comment: The p.A178T variant (also known as c.532G>A), located in coding exon 1 of the KCNJ2 gene, results from a G to A substitution at nucleotide position 532. The alanine at codon 178 is replaced by threonine, an amino acid with similar properties. This alteration was identified in a family with several cardiac phenotypes, including atrial fibrillation, Brugada syndrome, sudden cardiac death (SCD), and sudden infant death syndrome (SIDS), however other suspicious variants of unknown significance were also detected in the family (Allegue C et al. PLoS One, 2015 Jul;10:e0133037). This amino acid position is highly conserved in available vertebrate species. In addition, this alteration is predicted to be deleterious by in silico analysis. Since supporting evidence is limited at this time, the clinical significance of this alteration remains unclear.

Labcorp Genetics (formerly Invitae), Labcorp
Classification: Uncertain significance for Short QT syndrome type 3; Andersen Tawil syndrome. Last evaluated: 2022-10-18. Review status: criteria provided, single submitter. Criteria: Invitae Variant Classification Sherloc (09022015). Collection method: clinical testing. Allele origin: germline.
Comment: In summary, the available evidence is currently insufficient to determine the role of this variant in disease. Therefore, it has been classified as a Variant of Uncertain Significance. Advanced modeling of protein sequence and biophysical properties (such as structural, functional, and spatial information, amino acid conservation, physicochemical variation, residue mobility, and thermodynamic stability) performed at Invitae indicates that this missense variant is not expected to disrupt KCNJ2 protein function. ClinVar contains an entry for this variant (Variation ID: 952628). This missense change has been observed in individual(s) with clinical features of KCNJ2-related disease (PMID: 26230511). This sequence change replaces alanine, which is neutral and non-polar, with threonine, which is neutral and polar, at codon 178 of the KCNJ2 protein (p.Ala178Thr). This variant is not present in population databases (gnomAD no frequency).

Literature cited by the submitters: PubMed 23873351 (cited by Ambry Genetics); PubMed 26230511 (cited by Ambry Genetics and Labcorp Genetics (formerly Invitae), Labcorp).